The following is an entry in ClinVar:

NM_001085458.2(CTNND1):c.596C>T (p.Thr199Ile)

Genes: CTNND1 (catenin delta 1; plus strand), TMX2-CTNND1 (TMX2-CTNND1 readthrough (NMD candidate); plus strand). Cytogenetic location: 11q12.1.
Variant type: single nucleotide variant.
Coding change: c.596C>T on transcript NM_001085458.2 (MANE Select); coding-DNA position 596, C replaced by T.
Protein change: p.Thr199Ile; replaces threonine 199 with isoleucine.
Molecular consequence: missense variant. On other transcripts: non-coding transcript variant (1).
Genome position (GRCh38, 1-based): chr11:57,796,632, C>T. VCF-style: chr11-57796632-C-T. GRCh37 (hg19) VCF-style: chr11-57564104-C-T.
Other names: c.596C>T, p.Thr199Ile (NM_001085459.2, NM_001085460.2, NM_001085461.2 and 3 more transcripts); c.293C>T, p.Thr98Ile (NM_001085463.2, NM_001085464.2, NM_001085465.2 and 5 more transcripts); c.434C>T, p.Thr145Ile (NM_001206883.2, NM_001206884.2, NM_001206886.2 and 4 more transcripts); short protein forms T145I, T199I, T98I.
Identifiers: ClinVar variation 3361576 (VCV003361576.1).
Genomic context (GRCh38, chr11:57,796,632, plus strand): 5'-GTCGTGATTTCCGCAAGAATGGCAATGGGGGACCTGGTCCCTATGTGGGGCAAGCTGGCA[C>T]TGCTACCCTTCCTAGGAACTTCCACTACCCTCCTGATGGTTATAGTCGCCACTATGAAGA-3'
Protein context (NP_001078927.1, residues 189-209): GPGPYVGQAG[Thr199Ile]ATLPRNFHYP

ClinVar aggregate classification (germline): Uncertain significance (1 of 4 stars; one submission).

gnomAD v4.1: 2 of 1,614,062 alleles (0.00012%); highest among the groups gnomAD compares: Non-Finnish European, 0.00017%; no homozygotes.

Submission:

GeneDx
Classification: Uncertain significance. Last evaluated: 2023-07-28. Review status: criteria provided, single submitter. Criteria: GeneDx Variant Classification Process June 2021. Collection method: clinical testing. Allele origin: germline. Affected: yes.
Comment: Not observed at significant frequency in large population cohorts (gnomAD); In silico analysis supports that this missense variant has a deleterious effect on protein structure/function; Has not been previously published as pathogenic or benign to our knowledge